The following is an entry in ClinVar:

NM_000492.4(CFTR):c.1075_1079delinsAAAAA (p.Gln359_Thr360delinsLysLys)

Gene: CFTR (CF transmembrane conductance regulator; plus strand). Cytogenetic location: 7q31.2.
Variant type: Indel.
Coding change: c.1075_1079delinsAAAAA on transcript NM_000492.4 (MANE Select); coding-DNA positions 1075 to 1079, CAAAC replaced by AAAAA.
Protein change: p.Gln359_Thr360delinsLysLys.
Molecular consequence: missense variant.
Genome position (GRCh38, 1-based): chr7:117,540,305-117,540,309, CAAAC replaced by AAAAA. VCF-style: chr7-117540305-CAAAC-AAAAA. GRCh37 (hg19) VCF-style: chr7-117180359-CAAAC-AAAAA.
Other names: c.1075_1079delCAAACinsAAAAA (NM_000492.3).
Identifiers: ClinVar variation 53180 (VCV000053180.4), dbSNP rs397508152, ClinGen allele CA326387.
Genomic context (GRCh38, chr7:117,540,305, plus strand): 5'-ACCATCTCATTCTGCATTGTTCTGCGCATGGCGGTCACTCGGCAATTTCCCTGGGCTGTA[CAAAC>AAAAA]ATGGTATGACTCTCTTGGAGCAATAAACAAAATACAGGTAATGTACCATAATGCTGCATT-3'

ClinVar aggregate classification (germline): Pathogenic. Review status: criteria provided, multiple submitters, no conflicts (2 of 4 stars). 4 submissions from 4 submitters: Pathogenic (3). 1 of the submissions does not count toward it. Last evaluated 2024-05-09.

Conditions:
CFTR-related disorder (CFTR-RD). Also called: CFTR-related disorders; CFTR-related condition. Identifiers: MedGen C5924204, MONDO:7770004.
Cystic fibrosis (CF). Also called: MUCOVISCIDOSIS. Identifiers: Orphanet 586, MedGen C0010674, MONDO:0009061, OMIM 219700. Disease mechanism: loss of function.
Bronchiectasis with or without elevated sweat chloride 1 (BESC1). Also called: Cystic Fibrosis-Like Syndrome. Identifiers: Orphanet 60033, MedGen C2749757, MONDO:0008887, OMIM 211400.

Submissions (4):

Natera, Inc.
Classification: Pathogenic for CFTR-related disorders. Last evaluated: 2024-05-09. Review status: criteria provided, single submitter. Criteria: Natera Variant Classification Schema (03/2026). Collection method: clinical testing. Allele origin: germline.
Comment: The c.1075_1079delCAAACinsAAAAA variant in CFTR is a deletion-insertion (delins) variant predicted to replace one or more nucleotides with a different sequence. This variant is rare in the general population with a frequency below the threshold expected for the associated phenotype(s). This variant has been observed in one or more individuals affected with the associated recessive disease, as either homozygous or compound heterozygous with a second variant (PMID: 30033373). Given the available evidence, this variant is classified as Pathogenic.

Baylor Genetics
Classification: Pathogenic for Bronchiectasis with or without elevated sweat chloride 1. Last evaluated: 2023-08-08. Review status: criteria provided, single submitter. Criteria: ACMG Guidelines, 2015. Collection method: clinical testing. Allele origin: unknown.

Women's Health and Genetics/Laboratory Corporation of America, LabCorp
Classification: Pathogenic for Cystic fibrosis. Last evaluated: 2021-02-23. Review status: criteria provided, single submitter. Criteria: LabCorp Variant Classification Summary - May 2015. Collection method: clinical testing. Allele origin: germline.
Comment: Variant summary: CFTR c.1075_1079delinsAAAAA (p.Gln359_Thr360delinsLysLys) results in an in-frame deletion-insertion that is predicted to delete two amino acids from the protein and insert two new amino acids. The variant allele was found at a frequency of 2.2e-05 in 277156 control chromosomes, absent in approximately 276736 alleles in the gnomAD database and reported at a frequency of 0.017 in alleles of Jewish Georgian origin (Shoshani_1993). c.1075_1079delinsAAAAA has been reported in the literature in multiple individuals affected with Cystic Fibrosis (example, Shoshani_1993, Wilschanski_1999, Bobadilla_2002, Sugarman_2004, Heim_2004, Chevalier-Porst_1994, Heim_2001, Petreska_1998, Schrijver_2005, Sosnay_2013, Quint_2005, Salinas_2016, Behar_2017, Mei-Zahav_2018, Petrova_2020). It has been observed as part of a multinucleotide variation, that is variably annotated either as Q359K/T360K, p.[Gln359Lys;Thr360Lys], c.[1075C>A;1079C>A], or c.1075_1079delCAAACinsAAAAA or p.Gln359_Thr360delinsLysLys. These data indicate that the variant is very likely to be associated with disease. At least one publication reports experimental evidence evaluating an impact on protein function. The most pronounced variant effect results in intermediate disruption in processing (Sosnay_2013). No clinical diagnostic laboratories have submitted clinical-significance assessments for this variant to ClinVar after 2014. Based on the evidence outlined above, the variant was classified as pathogenic.

ClinVar Staff, National Center for Biotechnology Information (NCBI)
No classification provided. Condition: CFTR-related disorders. Review status: no classification provided. Collection method: literature only. Allele origin: germline. Affected: yes. Not counted in ClinVar's aggregate classification.

Literature cited by the submitters: PubMed 30033373 (cited by Natera, Inc. and Women's Health and Genetics/Laboratory Corporation of America, LabCorp); PubMed 9917439 (cited by Women's Health and Genetics/Laboratory Corporation of America, LabCorp); PubMed 15371903 (cited by Women's Health and Genetics/Laboratory Corporation of America, LabCorp); PubMed 7539210 (cited by Women's Health and Genetics/Laboratory Corporation of America, LabCorp); PubMed 7525963 (cited by Women's Health and Genetics/Laboratory Corporation of America, LabCorp); PubMed 16049310 (cited by Women's Health and Genetics/Laboratory Corporation of America, LabCorp); PubMed 12151438 (cited by Women's Health and Genetics/Laboratory Corporation of America, LabCorp); PubMed 12007216 (cited by Women's Health and Genetics/Laboratory Corporation of America, LabCorp); PubMed 15948195 (cited by Women's Health and Genetics/Laboratory Corporation of America, LabCorp); PubMed 9788722 (cited by Women's Health and Genetics/Laboratory Corporation of America, LabCorp); PubMed 18456578 (cited by Women's Health and Genetics/Laboratory Corporation of America, LabCorp and ClinVar Staff, National Center for Biotechnology Information (NCBI)); PubMed 11388756 (cited by Women's Health and Genetics/Laboratory Corporation of America, LabCorp); PubMed 23974870 (cited by Women's Health and Genetics/Laboratory Corporation of America, LabCorp); PubMed 7679367 (cited by Women's Health and Genetics/Laboratory Corporation of America, LabCorp); PubMed 27214204 (cited by Women's Health and Genetics/Laboratory Corporation of America, LabCorp); PubMed 28546993 (cited by Women's Health and Genetics/Laboratory Corporation of America, LabCorp); PubMed 32429104 (cited by Women's Health and Genetics/Laboratory Corporation of America, LabCorp).